The following is an entry in ClinVar:

NM_015702.3(MMADHC):c.617A>G (p.Asn206Ser)

Gene: MMADHC (metabolism of cobalamin associated D; minus strand). Cytogenetic location: 2q23.2.
Variant type: single nucleotide variant.
Coding change: c.617A>G on transcript NM_015702.3 (MANE Select); coding-DNA position 617, A replaced by G.
Protein change: p.Asn206Ser; replaces asparagine 206 with serine.
Molecular consequence: missense variant.
Genome position (GRCh38, 1-based): chr2:149,571,164, T>C on the plus strand (A>G on the coding strand, the complement: MMADHC is on the minus strand). VCF-style: chr2-149571164-T-C. GRCh37 (hg19) VCF-style: chr2-150427678-T-C.
Other names: short protein forms N206S.
Identifiers: ClinVar variation 218723 (VCV000218723.30), dbSNP rs138607412, ClinGen allele CA248941.

ClinVar aggregate classification (germline): Benign/Likely benign. Review status: criteria provided, multiple submitters, no conflicts (2 of 4 stars). 10 submissions from 9 submitters: Benign (5); Likely benign (3). 2 of the submissions do not count toward it. Last evaluated 2026-01-28.

Conditions:
MMADHC-related disorder. Also called: MMADHC-related condition.
Disorders of Intracellular Cobalamin Metabolism. Identifiers: MedGen CN043592.
Methylmalonic aciduria and homocystinuria type cblD (MAHCD). Also called: METHYLMALONIC ACIDEMIA, cblH TYPE; Methylmalonic aciduria with homocystinuria cblD type. Identifiers: Orphanet 622, Orphanet 79283, MedGen C1848552, MONDO:0010185, OMIM 277410.

Allele frequency attached by ClinVar (database versions not stated): gnomAD 0.00051; ESP Exome Variant Server 0.00100; TOPMed 0.00102; ExAC 0.00285; gnomAD exomes 0.00294; 1000 Genomes Project 0.00379; 1000 Genomes Project 30x 0.00406.
gnomAD v4.1: 3,017 of 1,604,900 alleles (0.19%); highest among the groups gnomAD compares: South Asian, 1.3%; 25 homozygotes.

Submissions (10):

Labcorp Genetics (formerly Invitae), Labcorp
Classification: Benign for Methylmalonic aciduria and homocystinuria type cblD. Last evaluated: 2026-01-28. Review status: criteria provided, single submitter. Criteria: Invitae Variant Classification Sherloc (09022015). Collection method: clinical testing. Allele origin: germline.

CeGaT Center for Human Genetics Tuebingen
Classification: Benign. Last evaluated: 2025-11-01. Review status: criteria provided, single submitter. Criteria: CeGaT Center For Human Genetics Tuebingen Variant Classification Criteria Version 2. Collection method: clinical testing. Allele origin: germline. Affected: yes. Observed: 1 variant allele.
Comment: MMADHC: BP4, BS1, BS2

ARUP Laboratories, Molecular Genetics and Genomics, ARUP Laboratories
Classification: Benign. Last evaluated: 2025-02-18. Review status: criteria provided, single submitter. Criteria: ARUP Molecular Germline Variant Investigation Process 2024. Collection method: clinical testing. Allele origin: germline.

Illumina Laboratory Services, Illumina
Classification: Likely benign for Methylmalonic aciduria and homocystinuria type cblD. Last evaluated: 2018-01-13. Review status: criteria provided, single submitter. Criteria: ICSL Variant Classification Criteria 13 December 2019. Collection method: clinical testing. Allele origin: germline.
Comment: This variant was observed in the ICSL laboratory as part of a predisposition screen in an ostensibly healthy population. It had not been previously curated by ICSL or reported in the Human Gene Mutation Database (HGMD: prior to June 1st, 2018), and was therefore a candidate for classification through an automated scoring system. Utilizing variant allele frequency, disease prevalence and penetrance estimates, and inheritance mode, an automated score was calculated to assess if this variant is too frequent to cause the disease. Based on the score and internal cut-off values, a variant classified as likely benign is not then subjected to further curation. The score for this variant resulted in a classification of likely benign for this disease.

Illumina Laboratory Services, Illumina
Classification: Benign for Disorders of Intracellular Cobalamin Metabolism. Last evaluated: 2018-01-13. Review status: criteria provided, single submitter. Criteria: ICSL Variant Classification Criteria 13 December 2019. Collection method: clinical testing. Allele origin: germline.
Comment: This variant was observed in the ICSL laboratory as part of a predisposition screen in an ostensibly healthy population. It had not been previously curated by ICSL or reported in the Human Gene Mutation Database (HGMD: prior to June 1st, 2018), and was therefore a candidate for classification through an automated scoring system. Utilizing variant allele frequency, disease prevalence and penetrance estimates, and inheritance mode, an automated score was calculated to assess if this variant is too frequent to cause the disease. Based on the score and internal cut-off values, a variant classified as benign is not then subjected to further curation. The score for this variant resulted in a classification of benign for this disease.

GeneDx
Classification: Benign. Last evaluated: 2017-02-28. Review status: criteria provided, single submitter. Criteria: GeneDx Variant Classification (06012015). Collection method: clinical testing. Allele origin: germline. Affected: yes.
Comment: This variant is considered likely benign or benign based on one or more of the following criteria: it is a conservative change, it occurs at a poorly conserved position in the protein, it is predicted to be benign by multiple in silico algorithms, and/or has population frequency not consistent with disease.

Genomic Diagnostic Laboratory, Division of Genomic Diagnostics, Children's Hospital of Philadelphia
Classification: Likely benign. Last evaluated: 2015-03-06. Review status: criteria provided, single submitter. Criteria: DGD Variant Analysis Guidelines. Collection method: clinical testing. Allele origin: unknown.

Breakthrough Genomics
Classification: Likely benign. Review status: criteria provided, single submitter. Criteria: ACMG Guidelines, 2015. Collection method: not provided. Allele origin: germline. Inheritance: Autosomal recessive inheritance. Affected: yes.

Natera, Inc.
Classification: Benign for Methylmalonic aciduria with homocystinuria cblD type. Last evaluated: 2020-09-16. Review status: no assertion criteria provided. Collection method: clinical testing. Allele origin: germline. Not counted in ClinVar's aggregate classification.

PreventionGenetics, part of Exact Sciences
Classification: Benign for MMADHC-related condition. Last evaluated: 2019-03-14. Review status: no assertion criteria provided. Collection method: clinical testing. Allele origin: germline. Not counted in ClinVar's aggregate classification.
Comment: This variant is classified as benign based on ACMG/AMP sequence variant interpretation guidelines (Richards et al. 2015 PMID: 25741868, with internal and published modifications).